The following is an entry in ClinVar:

NM_014727.3(KMT2B):c.5908C>A (p.Pro1970Thr)

Gene: KMT2B (lysine methyltransferase 2B; plus strand). Cytogenetic location: 19q13.12.
Variant type: single nucleotide variant.
Coding change: c.5908C>A on transcript NM_014727.3 (MANE Select); coding-DNA position 5908, C replaced by A.
Protein change: p.Pro1970Thr; replaces proline 1970 with threonine.
Molecular consequence: missense variant.
Genome position (GRCh38, 1-based): chr19:35,732,457, C>A. VCF-style: chr19-35732457-C-A. GRCh37 (hg19) VCF-style: chr19-36223358-C-A.
Other names: short protein forms P1970T.
Identifiers: ClinVar variation 871238 (VCV000871238.45), dbSNP rs991657581, ClinGen allele CA405424493.
Genomic context (GRCh38, chr19:35,732,457, plus strand): 5'-GCCCTCACACCTACCTCAGGGGAGCTGGCTCCCCCTGGCCCGGCCCCATCTCCACCACCC[C>A]CTGAAGACCTGGGCCCAGACTTCGAGGACATGGAGGTGGTGTCAGGACTGAGTGCTGCTG-3'
Protein context (NP_055542.1, residues 1960-1980): PPGPAPSPPP[Pro1970Thr]EDLGPDFEDM

ClinVar aggregate classification (germline): Conflicting classifications of pathogenicity. Review status: criteria provided, conflicting classifications (1 of 4 stars). 3 submissions from 3 submitters: Uncertain significance (2); Likely benign (1). Last evaluated 2023-09-05.

Allele frequency attached by ClinVar (database versions not stated): TOPMed below 0.00001; gnomAD 0.00001.
gnomAD v4.1: 9 of 1,613,726 alleles (0.00056%); highest among the groups gnomAD compares: East Asian, 0.0045%; no homozygotes.

Submissions (3):

Labcorp Genetics (formerly Invitae), Labcorp
Classification: Likely benign. Last evaluated: 2023-09-05. Review status: criteria provided, single submitter. Criteria: Invitae Variant Classification Sherloc (09022015). Collection method: clinical testing. Allele origin: germline.

Institute for Clinical Genetics, University Hospital TU Dresden, University Hospital TU Dresden
Classification: Uncertain significance. Last evaluated: 2023-05-26. Review status: criteria provided, single submitter. Criteria: ACMG Guidelines, 2015. Collection method: clinical testing. Allele origin: germline.
Comment: PP3, PM2_SUP, PP2

CeGaT Center for Human Genetics Tuebingen
Classification: Uncertain significance. Last evaluated: 2019-07-01. Review status: criteria provided, single submitter. Criteria: CeGaT Center For Human Genetics Tuebingen Variant Classification Criteria Version 2. Collection method: clinical testing. Allele origin: germline. Affected: yes. Observed: 1 variant allele.